The following is an entry in ClinVar:

NM_001349338.3(FOXP1):c.844_845del (p.Val283fs)

Gene: FOXP1 (forkhead box P1; minus strand). Cytogenetic location: 3p13.
Variant type: Microsatellite.
Coding change: c.844_845del on transcript NM_001349338.3 (MANE Select); coding-DNA positions 844 to 845, 2 bases deleted (TC; older notation c.844_845delTC).
Protein change: p.Val283fs; shifts the reading frame from valine 283.
Molecular consequence: frameshift variant. On other transcripts: non-coding transcript variant (2).
Genome position (GRCh38, 1-based): chr3:71,041,352-71,041,353, GA deleted on the plus strand (TC on the coding strand, the reverse complement: FOXP1 is on the minus strand); deleting any 2 consecutive bases within chr3:71,041,352-71,041,356 gives the same sequence; the c. name uses the placement nearest the transcript's 3' end. VCF-style (leftmost placement, unchanged base first): chr3-71041351-TGA-T. GRCh37 (hg19) VCF-style: chr3-71090502-TGA-T.
Other names: c.844_845del, p.Val283fs (NM_001244808.3, NM_001244810.2, NM_001244814.3 and 3 more transcripts); c.616_617del, p.Val207fs (NM_001244812.3); c.544_545del, p.Val183fs (NM_001244813.3, NM_001244815.2, NM_001349342.3 and 1 more transcripts); c.541_542del, p.Val182fs (NM_001349337.2, NM_001349343.3, NM_001349344.3); c.841_842del, p.Val282fs (NM_001349341.3); short protein forms V183fs, V282fs, V283fs, V182fs, V207fs.
Identifiers: ClinVar variation 689737 (VCV000689737.2), dbSNP rs1576373932, ClinGen allele CA915942978.

ClinVar aggregate classification (germline): Pathogenic. Review status: criteria provided, multiple submitters, no conflicts (2 of 4 stars). 2 submissions from 2 submitters: Pathogenic (2). Last evaluated 2024-01-01.

Conditions:
Intellectual disability-severe speech delay-mild dysmorphism syndrome (IDDLA). Also called: Mental retardation with language impairment and autistic features; FOXP1 Syndrome; Intellectual developmental disorder with language impairment AND with or without autistic features. Identifiers: Orphanet 391372, MedGen C4013764, MONDO:0013352, OMIM 613670.

Submissions (2):

Daryl Scott Lab, Baylor College of Medicine
Classification: Pathogenic for Intellectual disability-severe speech delay-mild dysmorphism syndrome. Last evaluated: 2024-01-01. Review status: criteria provided, single submitter. Criteria: ACMG Guidelines, 2015. Collection method: clinical testing. Allele origin: de novo. Affected: yes. Observed: 1 heterozygote.
Comment: PVS1, PS2, PM2

Baylor Genetics
Classification: Pathogenic for Intellectual disability-severe speech delay-mild dysmorphism syndrome. Last evaluated: 2018-10-12. Review status: criteria provided, single submitter. Criteria: ACMG Guidelines, 2015. Collection method: clinical testing. Allele origin: germline. Affected: yes.

Literature cited by the submitters: PubMed 27657687 (cited by Baylor Genetics).